The following is an entry in ClinVar:

NM_003072.5(SMARCA4):c.732G>A (p.Pro244=)

Gene: SMARCA4 (SWI/SNF related BAF chromatin remodeling complex subunit ATPase 4; plus strand). Cytogenetic location: 19p13.2.
Variant type: single nucleotide variant.
Coding change: c.732G>A on transcript NM_003072.5 (MANE Select); coding-DNA position 732, G replaced by A.
Protein change: p.Pro244=; no amino-acid change (proline 244 retained).
Molecular consequence: synonymous variant. On other transcripts: non-coding transcript variant (1).
Genome position (GRCh38, 1-based): chr19:10,986,565, G>A. VCF-style: chr19-10986565-G-A. GRCh37 (hg19) VCF-style: chr19-11097241-G-A.
Other names: c.732G>A, p.Pro244= (NM_001128845.2, NM_001128846.2, NM_001128847.4 and 5 more transcripts).
Identifiers: ClinVar variation 238518 (VCV000238518.28), dbSNP rs878854241, ClinGen allele CA10583720.

ClinVar aggregate classification (germline): Benign/Likely benign. Review status: criteria provided, multiple submitters, no conflicts (2 of 4 stars). 8 submissions from 8 submitters: Benign (2); Likely benign (5). 1 of the submissions does not count toward it. Last evaluated 2026-07-09.

Conditions:
SMARCA4-related disorder. Also called: SMARCA4-related condition.
Hereditary cancer-predisposing syndrome. Also called: Hereditary Cancer Syndrome; Tumor predisposition; Hereditary neoplastic syndrome; Neoplastic Syndromes, Hereditary. Identifiers: Orphanet 140162, MedGen C0027672, MeSH D009386, MONDO:0015356.
Rhabdoid tumor predisposition syndrome 2 (RTPS2). Identifiers: Orphanet 231108, Orphanet 69077, MedGen C2750074, MONDO:0013224, OMIM 613325.

Allele frequency attached by ClinVar (database versions not stated): TOPMed 0.00012; gnomAD 0.00009 and 0.00010; gnomAD exomes 0.00001 and 0.00002.
gnomAD v4.1: 49 of 1,537,374 alleles (0.0032%); highest among the groups gnomAD compares: African/African-American, 0.023%; no homozygotes.

Submissions (8):

Myriad Genetics, Inc.
Classification: Benign for Rhabdoid tumor predisposition syndrome 2. Last evaluated: 2026-07-09. Review status: criteria provided, single submitter. Criteria: Myriad Autosomal Dominant, Autosomal Recessive and X-Linked Classification Criteria (2023). Collection method: clinical testing. Allele origin: unknown.
Comment: This variant is considered benign. This variant is a silent/synonymous amino acid change and it is not expected to impact splicing.

Labcorp Genetics (formerly Invitae), Labcorp
Classification: Likely benign for Rhabdoid tumor predisposition syndrome 2. Last evaluated: 2026-01-25. Review status: criteria provided, single submitter. Criteria: Invitae Variant Classification Sherloc (09022015). Collection method: clinical testing. Allele origin: germline.

CeGaT Center for Human Genetics Tuebingen
Classification: Likely benign. Last evaluated: 2025-09-01. Review status: criteria provided, single submitter. Criteria: CeGaT Center For Human Genetics Tuebingen Variant Classification Criteria Version 2. Collection method: clinical testing. Allele origin: germline. Affected: yes. Observed: 1 variant allele.
Comment: SMARCA4: BP4, BP7

Quest Diagnostics Nichols Institute San Juan Capistrano
Classification: Benign. Last evaluated: 2025-07-05. Review status: criteria provided, single submitter. Criteria: Quest Diagnostics criteria. Collection method: clinical testing. Allele origin: unknown.

Blueprint Genetics
Classification: Likely benign. Last evaluated: 2024-05-22. Review status: criteria provided, single submitter. Criteria: ACMG Guidelines, 2015. Collection method: clinical testing. Allele origin: germline.

Sema4
Classification: Likely benign for Hereditary cancer-predisposing syndrome. Last evaluated: 2021-04-05. Review status: criteria provided, single submitter. Criteria: Sema4 Curation Guidelines. Collection method: curation. Allele origin: germline.

Ambry Genetics
Classification: Likely benign for Hereditary cancer-predisposing syndrome. Last evaluated: 2015-08-26. Review status: criteria provided, single submitter. Criteria: Ambry Variant Classification Scheme 2023. Collection method: clinical testing. Allele origin: germline.

PreventionGenetics, part of Exact Sciences
Classification: Likely benign for SMARCA4-related condition. Last evaluated: 2022-11-30. Review status: no assertion criteria provided. Collection method: clinical testing. Allele origin: germline. Not counted in ClinVar's aggregate classification.
Comment: This variant is classified as likely benign based on ACMG/AMP sequence variant interpretation guidelines (Richards et al. 2015 PMID: 25741868, with internal and published modifications).